The following is an entry in ClinVar:

ClinVar aggregate classification (germline): Uncertain significance (1 of 4 stars; one submission).

Submission:

Women's Health and Genetics/Laboratory Corporation of America, LabCorp
Classification: Uncertain significance. Last evaluated: 2024-12-24. Review status: criteria provided, single submitter. Criteria: LabCorp Variant Classification Summary - May 2015. Collection method: clinical testing. Allele origin: germline.
Comment: Variant summary: LAMA2 c.7805G>A (p.Gly2602Glu) results in a non-conservative amino acid change located in the Laminin G repeat domain (IPR001791) of the encoded protein sequence. Four of four in-silico tools predict a damaging effect of the variant on protein function. The variant allele was found at a frequency of 6.2e-07 in 1606868 control chromosomes in the gnomAD database (v4.1 dataset). The available data on variant occurrences in the general population are insufficient to allow any conclusion about variant significance. To our knowledge, no occurrence of c.7805G>A in individuals affected with Merosin deficient congenital muscular dystrophy and no experimental evidence demonstrating its impact on protein function have been reported. No submitters have cited clinical-significance assessments for this variant to ClinVar. Based on the evidence outlined above, the variant was classified as uncertain significance.

NM_000426.4(LAMA2):c.7805G>A (p.Gly2602Glu)

Gene: LAMA2 (laminin subunit alpha 2; plus strand). Cytogenetic location: 6q22.33.
Variant type: single nucleotide variant.
Coding change: c.7805G>A on transcript NM_000426.4 (MANE Select); coding-DNA position 7805, G replaced by A.
Protein change: p.Gly2602Glu; replaces glycine 2602 with glutamic acid.
Molecular consequence: missense variant.
Genome position (GRCh38, 1-based): chr6:129,486,529, G>A. VCF-style: chr6-129486529-G-A. GRCh37 (hg19) VCF-style: chr6-129807674-G-A.
Other names: c.7793G>A, p.Gly2598Glu (NM_001079823.2); short protein forms G2598E, G2602E.
Identifiers: ClinVar variation 3768433 (VCV003768433.1).